The following is an entry in ClinVar:

NM_015072.5(TTLL5):c.224G>A (p.Arg75His)

Gene: TTLL5 (tubulin tyrosine ligase like 5; plus strand). Cytogenetic location: 14q24.3.
Variant type: single nucleotide variant.
Coding change: c.224G>A on transcript NM_015072.5 (MANE Select); coding-DNA position 224, G replaced by A.
Protein change: p.Arg75His; replaces arginine 75 with histidine.
Molecular consequence: missense variant.
Genome position (GRCh38, 1-based): chr14:75,681,587, G>A. VCF-style: chr14-75681587-G-A. GRCh37 (hg19) VCF-style: chr14-76147930-G-A.
Other names: c.224G>A (NM_015072.4); short protein forms R75H.
Identifiers: ClinVar variation 999195 (VCV000999195.7), dbSNP rs751047559, ClinGen allele CA7278850.

ClinVar aggregate classification (germline): Uncertain significance. Review status: criteria provided, multiple submitters, no conflicts (2 of 4 stars). 4 submissions from 4 submitters: Uncertain significance (4). Last evaluated 2025-02-20.

Conditions:
Inborn genetic diseases. Identifiers: MedGen C0950123, MeSH D030342.

Allele frequency attached by ClinVar (database versions not stated): gnomAD exomes below 0.00001 and 0.00001; ExAC 0.00001; TOPMed 0.00001.
gnomAD v4.1: 15 of 1,613,266 alleles (0.00093%); highest among the groups gnomAD compares: Middle Eastern, 0.13%; 1 homozygote.

Submissions (4):

Ambry Genetics
Classification: Uncertain significance for Inborn genetic diseases. Last evaluated: 2025-02-20. Review status: criteria provided, single submitter. Criteria: Ambry Variant Classification Scheme 2023. Collection method: clinical testing. Allele origin: germline.

GeneDx
Classification: Uncertain significance. Last evaluated: 2024-12-10. Review status: criteria provided, single submitter. Criteria: GeneDx Variant Classification Process June 2021. Collection method: clinical testing. Allele origin: germline. Affected: yes.
Comment: In silico analysis supports that this missense variant has a deleterious effect on protein structure/function; Has not been previously published as pathogenic or benign to our knowledge

Labcorp Genetics (formerly Invitae), Labcorp
Classification: Uncertain significance. Last evaluated: 2022-07-18. Review status: criteria provided, single submitter. Criteria: Invitae Variant Classification Sherloc (09022015). Collection method: clinical testing. Allele origin: germline.
Comment: This sequence change replaces arginine, which is basic and polar, with histidine, which is basic and polar, at codon 75 of the TTLL5 protein (p.Arg75His). This variant is present in population databases (rs751047559, gnomAD 0.003%). This variant has not been reported in the literature in individuals affected with TTLL5-related conditions. ClinVar contains an entry for this variant (Variation ID: 999195). Algorithms developed to predict the effect of missense changes on protein structure and function are either unavailable or do not agree on the potential impact of this missense change (SIFT: "Deleterious"; PolyPhen-2: "Possibly Damaging"; Align-GVGD: "Class C0"). In summary, the available evidence is currently insufficient to determine the role of this variant in disease. Therefore, it has been classified as a Variant of Uncertain Significance.

Blueprint Genetics
Classification: Uncertain significance. Last evaluated: 2019-03-08. Review status: criteria provided, single submitter. Criteria: ACMG Guidelines, 2015. Collection method: clinical testing. Allele origin: germline.